The following is an entry in ClinVar:

ClinVar aggregate classification (germline): Likely benign. Review status: criteria provided, multiple submitters, no conflicts (2 of 4 stars). 3 submissions from 3 submitters: Likely benign (2). 1 of the submissions does not count toward it. Last evaluated 2026-03-01.

Conditions:
PHACTR1-related disorder. Also called: PHACTR1-related condition.

Allele frequency attached by ClinVar (database versions not stated): 1000 Genomes Project 0.00100; 1000 Genomes Project 30x 0.00109; ESP Exome Variant Server 0.00123; ExAC 0.00133; gnomAD exomes 0.00138 and 0.00191; gnomAD 0.00143 and 0.00145; TOPMed 0.00161.
gnomAD v4.1: 3,008 of 1,613,372 alleles (0.19%); highest among the groups gnomAD compares: Admixed American, 0.23%; 6 homozygotes.

Submissions (3):

CeGaT Center for Human Genetics Tuebingen
Classification: Likely benign. Last evaluated: 2026-03-01. Review status: criteria provided, single submitter. Criteria: CeGaT Center For Human Genetics Tuebingen Variant Classification Criteria Version 2. Collection method: clinical testing. Allele origin: germline. Affected: yes. Observed: 7 variant alleles.
Comment: PHACTR1: BP4, BP7

Blueprint Genetics
Classification: Likely benign. Last evaluated: 2024-11-26. Review status: criteria provided, single submitter. Criteria: ACMG Guidelines, 2015. Collection method: clinical testing. Allele origin: germline.

PreventionGenetics, part of Exact Sciences
Classification: Likely benign for PHACTR1-related condition. Last evaluated: 2019-11-07. Review status: no assertion criteria provided. Collection method: clinical testing. Allele origin: germline. Not counted in ClinVar's aggregate classification.
Comment: This variant is classified as likely benign based on ACMG/AMP sequence variant interpretation guidelines (Richards et al. 2015 PMID: 25741868, with internal and published modifications).

NM_030948.6(PHACTR1):c.297C>T (p.Val99=)

Gene: PHACTR1 (phosphatase and actin regulator 1; plus strand). Cytogenetic location: 6p24.1.
Variant type: single nucleotide variant.
Coding change: c.297C>T on transcript NM_030948.6 (MANE Select); coding-DNA position 297, C replaced by T.
Protein change: p.Val99=; no amino-acid change (valine 99 retained).
Molecular consequence: synonymous variant.
Genome position (GRCh38, 1-based): chr6:13,053,411, C>T. VCF-style: chr6-13053411-C-T. GRCh37 (hg19) VCF-style: chr6-13053643-C-T.
Other names: c.297C>T, p.Val99= (NM_001242648.4, NM_001322308.3, NM_001322309.3 and 3 more transcripts); c.21C>T, p.Val7= (NM_001322311.2, NM_001322312.3, NM_001322313.2 and 1 more transcripts); c.300C>T, p.Val100= (NM_001322314.4); c.300C>T (NM_001322314.1).
Identifiers: ClinVar variation 1676009 (VCV001676009.35), dbSNP rs141282814, ClinGen allele CA3638987.